The following is an entry in ClinVar:

ClinVar aggregate classification (germline): Uncertain significance (1 of 4 stars; one submission).

Allele frequency attached by ClinVar (database versions not stated): gnomAD exomes below 0.00001.
gnomAD v4.1: 1 of 1,614,240 alleles (0.000062%); highest among the groups gnomAD compares: Admixed American, 0.0017%; no homozygotes.

Submission:

Labcorp Genetics (formerly Invitae), Labcorp
Classification: Uncertain significance. Last evaluated: 2024-02-23. Review status: criteria provided, single submitter. Criteria: Invitae Variant Classification Sherloc (09022015). Collection method: clinical testing. Allele origin: germline.
Comment: This sequence change replaces valine, which is neutral and non-polar, with isoleucine, which is neutral and non-polar, at codon 23 of the ERCC6 protein (p.Val23Ile). This variant is present in population databases (no rsID available, gnomAD 0.003%). This variant has not been reported in the literature in individuals affected with ERCC6-related conditions. ClinVar contains an entry for this variant (Variation ID: 1475405). Advanced modeling of protein sequence and biophysical properties (such as structural, functional, and spatial information, amino acid conservation, physicochemical variation, residue mobility, and thermodynamic stability) performed at Invitae indicates that this missense variant is not expected to disrupt ERCC6 protein function with a negative predictive value of 80%. In summary, the available evidence is currently insufficient to determine the role of this variant in disease. Therefore, it has been classified as a Variant of Uncertain Significance.

NM_000124.4(ERCC6):c.67G>A (p.Val23Ile)

Gene: ERCC6 (ERCC excision repair 6, chromatin remodeling factor; minus strand). Cytogenetic location: 10q11.23.
Variant type: single nucleotide variant.
Coding change: c.67G>A on transcript NM_000124.4 (MANE Select); coding-DNA position 67, G replaced by A.
Protein change: p.Val23Ile; replaces valine 23 with isoleucine.
Molecular consequence: missense variant.
Genome position (GRCh38, 1-based): chr10:49,532,898, C>T on the plus strand (G>A on the coding strand, the complement: ERCC6 is on the minus strand). VCF-style: chr10-49532898-C-T. GRCh37 (hg19) VCF-style: chr10-50740944-C-T.
Other names: c.67G>A, p.Val23Ile (NM_001277058.2, NM_001277059.2, NM_001346440.2); short protein forms V23I.
Identifiers: ClinVar variation 1475405 (VCV001475405.6), dbSNP rs1196976745, ClinGen allele CA376714679.